The following is an entry in ClinVar:

NM_021224.6(ZNF462):c.4864G>C (p.Glu1622Gln)

Gene: ZNF462 (zinc finger protein 462; plus strand). Cytogenetic location: 9q31.2.
Variant type: single nucleotide variant.
Coding change: c.4864G>C on transcript NM_021224.6 (MANE Select); coding-DNA position 4864, G replaced by C.
Protein change: p.Glu1622Gln; replaces glutamic acid 1622 with glutamine.
Molecular consequence: missense variant. On other transcripts: intron variant (1).
Genome position (GRCh38, 1-based): chr9:106,928,776, G>C. VCF-style: chr9-106928776-G-C. GRCh37 (hg19) VCF-style: chr9-109691057-G-C.
Other names: c.3252+1612G>C (NM_001347997.2); short protein forms E1622Q.
Identifiers: ClinVar variation 4535226 (VCV004535226.6).

ClinVar aggregate classification (germline): Uncertain significance (1 of 4 stars; one submission).

Submission:

CeGaT Center for Human Genetics Tuebingen
Classification: Uncertain significance. Last evaluated: 2025-11-01. Review status: criteria provided, single submitter. Criteria: CeGaT Center For Human Genetics Tuebingen Variant Classification Criteria Version 2. Collection method: clinical testing. Allele origin: germline. Affected: yes. Observed: 1 variant allele.
Comment: ZNF462: PM2, BP4